The following is an entry in ClinVar:

ClinVar aggregate classification (germline): Likely benign (0 of 4 stars; one submission).

Conditions:
SEMA3F-related disorder. Also called: SEMA3F-related condition.

Allele frequency attached by ClinVar (database versions not stated): gnomAD 0.00009; TOPMed 0.00011; gnomAD exomes 0.00014; ESP Exome Variant Server 0.00015; ExAC 0.00021.
gnomAD v4.1: 212 of 1,613,328 alleles (0.013%); highest among the groups gnomAD compares: Non-Finnish European, 0.016%; no homozygotes.

Submission:

PreventionGenetics, part of Exact Sciences
Classification: Likely benign for SEMA3F-related condition. Last evaluated: 2022-04-11. Review status: no assertion criteria provided. Collection method: clinical testing. Allele origin: germline.
Comment: This variant is classified as likely benign based on ACMG/AMP sequence variant interpretation guidelines (Richards et al. 2015 PMID: 25741868, with internal and published modifications).

NM_004186.5(SEMA3F):c.399C>T (p.Cys133=)

Gene: SEMA3F (semaphorin 3F; plus strand). Cytogenetic location: 3p21.31.
Variant type: single nucleotide variant.
Coding change: c.399C>T on transcript NM_004186.5 (MANE Select); coding-DNA position 399, C replaced by T.
Protein change: p.Cys133=; no amino-acid change (cysteine 133 retained).
Molecular consequence: synonymous variant.
Genome position (GRCh38, 1-based): chr3:50,174,293, C>T. VCF-style: chr3-50174293-C-T. GRCh37 (hg19) VCF-style: chr3-50211726-C-T.
Other names: c.195C>T, p.Cys65= (NM_001318798.2); c.399C>T, p.Cys133= (NM_001318800.2).
Identifiers: ClinVar variation 3031916 (VCV003031916.2), dbSNP rs150349920, ClinGen allele CA2411747.